The following is an entry in ClinVar:

ClinVar aggregate classification (germline): Uncertain significance (1 of 4 stars; one submission).

Conditions:
Neurofibromatosis, type 1 (NF1). Also called: VON RECKLINGHAUSEN DISEASE; NEUROFIBROMATOSIS, TYPE I, SOMATIC; Peripheral type neurofibromatosis; Neurofibromatosis, type I. Identifiers: Orphanet 636, MedGen C0027831, MONDO:0018975, OMIM 162200. Disease mechanism: loss of function.

Submission:

Labcorp Genetics (formerly Invitae), Labcorp
Classification: Uncertain significance for Neurofibromatosis, type 1. Last evaluated: 2017-09-24. Review status: criteria provided, single submitter. Criteria: Invitae Variant Classification Sherloc (09022015). Collection method: clinical testing. Allele origin: germline.
Comment: This sequence change replaces valine with leucine at codon 1317 of the NF1 protein (p.Val1317Leu). The valine residue is moderately conserved and there is a small physicochemical difference between valine and leucine. This variant is not present in population databases (ExAC no frequency). This variant has not been reported in the literature in individuals with NF1-related disease. Algorithms developed to predict the effect of missense changes on protein structure and function (SIFT, PolyPhen-2, Align-GVGD) all suggest that this variant is likely to be tolerated, but these predictions have not been confirmed by published functional studies and their clinical significance is uncertain. In summary, the available evidence is currently insufficient to determine the role of this variant in disease. Therefore, it has been classified as a Variant of Uncertain Significance.

NM_001042492.3(NF1):c.3949G>C (p.Val1317Leu)

Gene: NF1 (neurofibromin 1; plus strand). Cytogenetic location: 17q11.2.
Variant type: single nucleotide variant.
Coding change: c.3949G>C on transcript NM_001042492.3 (MANE Select); coding-DNA position 3949, G replaced by C.
Protein change: p.Val1317Leu; replaces valine 1317 with leucine.
Molecular consequence: missense variant.
Genome position (GRCh38, 1-based): chr17:31,235,996, G>C. VCF-style: chr17-31235996-G-C. GRCh37 (hg19) VCF-style: chr17-29563014-G-C.
Other names: c.3949G>C, p.Val1317Leu (NM_000267.4); short protein forms V1317L.
Identifiers: ClinVar variation 527565 (VCV000527565.5), dbSNP rs1555615560, ClinGen allele CA398993261.